The following is an entry in ClinVar:

ClinVar aggregate classification (germline): Uncertain significance (1 of 4 stars; one submission).

Conditions:
Mendelian susceptibility to mycobacterial diseases due to complete IL12RB1 deficiency. Also called: IL12RB1 DEFICIENCY; Immunodeficiency 30. Identifiers: Orphanet 319552, MedGen C4013949, MONDO:0013955, OMIM 614891.

Submission:

Labcorp Genetics (formerly Invitae), Labcorp
Classification: Uncertain significance for Mendelian susceptibility to mycobacterial diseases due to complete IL12RB1 deficiency. Last evaluated: 2022-07-05. Review status: criteria provided, single submitter. Criteria: Invitae Variant Classification Sherloc (09022015). Collection method: clinical testing. Allele origin: germline.
Comment: ClinVar contains an entry for this variant (Variation ID: 1475964). This variant has not been reported in the literature in individuals affected with IL12RB1-related conditions. This variant is not present in population databases (gnomAD no frequency). This sequence change replaces alanine, which is neutral and non-polar, with valine, which is neutral and non-polar, at codon 362 of the IL12RB1 protein (p.Ala362Val). Algorithms developed to predict the effect of missense changes on protein structure and function output the following: SIFT: "Tolerated"; PolyPhen-2: "Benign"; Align-GVGD: "Class C0". The valine amino acid residue is found in multiple mammalian species, which suggests that this missense change does not adversely affect protein function. In summary, the available evidence is currently insufficient to determine the role of this variant in disease. Therefore, it has been classified as a Variant of Uncertain Significance.

NM_005535.3(IL12RB1):c.1085C>T (p.Ala362Val)

Gene: IL12RB1 (interleukin 12 receptor subunit beta 1; minus strand). Cytogenetic location: 19p13.11.
Variant type: single nucleotide variant.
Coding change: c.1085C>T on transcript NM_005535.3 (MANE Select); coding-DNA position 1085, C replaced by T.
Protein change: p.Ala362Val; replaces alanine 362 with valine.
Molecular consequence: missense variant.
Genome position (GRCh38, 1-based): chr19:18,069,650, G>A on the plus strand (C>T on the coding strand, the complement: IL12RB1 is on the minus strand). VCF-style: chr19-18069650-G-A. GRCh37 (hg19) VCF-style: chr19-18180460-G-A.
Other names: c.1085C>T, p.Ala362Val (NM_001290023.2); c.1205C>T, p.Ala402Val (NM_001290024.2); short protein forms A362V, A402V.
Identifiers: ClinVar variation 1475964 (VCV001475964.8), dbSNP rs2146215232, ClinGen allele CA404778882.